The following is an entry in ClinVar:

ClinVar aggregate classification (germline): Uncertain significance (1 of 4 stars; one submission).

gnomAD v4.1: 1 of 1,613,076 alleles (0.000062%); highest among the groups gnomAD compares: Admixed American, 0.0017%; no homozygotes.

Submission:

Ambry Genetics
Classification: Uncertain significance. Last evaluated: 2026-07-13. Review status: criteria provided, single submitter. Criteria: Ambry Variant Classification Scheme 2023. Collection method: clinical testing. Allele origin: germline.
Comment: The p.P2202R variant (also known as c.6605C>G), located in coding exon 28 of the WNK2 gene, results from a C to G substitution at nucleotide position 6605. The proline at codon 2202 is replaced by arginine, an amino acid with dissimilar properties. This amino acid position is conserved. In addition, this alteration is predicted to be tolerated by in silico analysis. Based on the available evidence, the clinical significance of this variant remains unclear.

NM_006648.4(WNK2):c.6605C>G (p.Pro2202Arg)

Gene: WNK2 (WNK lysine deficient protein kinase 2; plus strand). Cytogenetic location: 9q22.31.
Variant type: single nucleotide variant.
Coding change: c.6605C>G on transcript NM_006648.4 (MANE Select); coding-DNA position 6605, C replaced by G.
Protein change: p.Pro2202Arg; replaces proline 2202 with arginine.
Molecular consequence: missense variant.
Genome position (GRCh38, 1-based): chr9:93,317,608, C>G. VCF-style: chr9-93317608-C-G. GRCh37 (hg19) VCF-style: chr9-96079890-C-G.
Other names: c.6716C>G, p.Pro2239Arg (NM_001282394.3); short protein forms P2239R, P2202R.
Identifiers: ClinVar variation 5031850 (VCV005031850.1).